The following is an entry in ClinVar:

ClinVar aggregate classification (germline): Uncertain significance (1 of 4 stars; one submission).

Submission:

Institute for Clinical Genetics, University Hospital TU Dresden, University Hospital TU Dresden
Classification: Uncertain significance. Last evaluated: 2023-04-18. Review status: criteria provided, single submitter. Criteria: ACMG Guidelines, 2015. Collection method: clinical testing. Allele origin: paternal.
Comment: PM2_SUP

NM_001382567.1(STIM1):c.270+23215T>C

Gene: STIM1 (stromal interaction molecule 1; plus strand). Cytogenetic location: 11p15.4.
Variant type: single nucleotide variant.
Coding change: c.270+23215T>C on transcript NM_001382567.1 (MANE Select); 23215 bases into the intron after coding-DNA position 270, T replaced by C.
Molecular consequence: intron variant.
Genome position (GRCh38, 1-based): chr11:3,990,897, T>C. VCF-style: chr11-3990897-T-C. GRCh37 (hg19) VCF-style: chr11-4012127-T-C.
Other names: c.270+23215T>C (NM_001277962.2, NM_003156.4, NM_001382570.1 and 3 more transcripts); c.136-32976T>C (NM_001382569.1); c.-98-32976T>C (NM_001382571.1); c.48+23215T>C (NM_001382578.1, NM_001382575.1, NM_001382576.1 and 5 more transcripts); c.-219-32976T>C (NM_001382580.1, NM_001382581.1).
Identifiers: ClinVar variation 2576119 (VCV002576119.1), dbSNP rs763395986, ClinGen allele CA216298864.